The following is an entry in ClinVar:

NM_015557.3(CHD5):c.511C>T (p.Leu171Phe)

Gene: CHD5 (chromodomain helicase DNA binding protein 5; minus strand). Cytogenetic location: 1p36.31.
Variant type: single nucleotide variant.
Coding change: c.511C>T on transcript NM_015557.3 (MANE Select); coding-DNA position 511, C replaced by T.
Protein change: p.Leu171Phe; replaces leucine 171 with phenylalanine.
Molecular consequence: missense variant.
Genome position (GRCh38, 1-based): chr1:6,154,894, G>A on the plus strand (C>T on the coding strand, the complement: CHD5 is on the minus strand). VCF-style: chr1-6154894-G-A. GRCh37 (hg19) VCF-style: chr1-6214954-G-A.
Other names: short protein forms L171F.
Identifiers: ClinVar variation 4996041 (VCV004996041.1).

ClinVar aggregate classification (germline): Uncertain significance (1 of 4 stars; one submission).

Conditions:
CHD5-related disorder. Also called: CHD5-related condition.

Submission:

PreventionGenetics, part of Exact Sciences
Classification: Uncertain significance for CHD5-related condition. Last evaluated: 2026-01-15. Review status: criteria provided, single submitter. Criteria: ACMG Guidelines, 2015. Collection method: clinical testing. Allele origin: germline.
Comment: The CHD5 c.511C>T variant is predicted to result in the amino acid substitution p.Leu171Phe. To our knowledge, this variant has not been reported in the literature or in a large population database (gnomAD), indicating this variant is rare. At this time, the clinical significance of this variant is uncertain due to the absence of conclusive functional and genetic evidence.